The following is an entry in ClinVar:

NM_006662.3(SRCAP):c.9083A>G (p.Asp3028Gly)

Gene: SRCAP (Snf2 related CREBBP activator protein; plus strand). Cytogenetic location: 16p11.2.
Variant type: single nucleotide variant.
Coding change: c.9083A>G on transcript NM_006662.3 (MANE Select); coding-DNA position 9083, A replaced by G.
Protein change: p.Asp3028Gly; replaces aspartic acid 3028 with glycine.
Molecular consequence: missense variant.
Genome position (GRCh38, 1-based): chr16:30,739,123, A>G. VCF-style: chr16-30739123-A-G. GRCh37 (hg19) VCF-style: chr16-30750444-A-G.
Other names: c.9083A>G (NM_006662.2); short protein forms D3028G.
Identifiers: ClinVar variation 1993976 (VCV001993976.5), dbSNP rs748086743, ClinGen allele CA8012827.

ClinVar aggregate classification (germline): Uncertain significance. Review status: criteria provided, multiple submitters, no conflicts (2 of 4 stars). 2 submissions from 2 submitters: Uncertain significance (2). Last evaluated 2024-11-09.

Conditions:
Inborn genetic diseases. Identifiers: MedGen C0950123, MeSH D030342.

Allele frequency attached by ClinVar (database versions not stated): ExAC 0.00001; gnomAD exomes 0.00001.
gnomAD v4.1: 8 of 1,614,206 alleles (0.0005%); highest among the groups gnomAD compares: Non-Finnish European, 0.00068%; no homozygotes.

Submissions (2):

Ambry Genetics
Classification: Uncertain significance for Inborn genetic diseases. Last evaluated: 2024-11-09. Review status: criteria provided, single submitter. Criteria: Ambry Variant Classification Scheme 2023. Collection method: clinical testing. Allele origin: germline.

Labcorp Genetics (formerly Invitae), Labcorp
Classification: Uncertain significance. Last evaluated: 2022-06-07. Review status: criteria provided, single submitter. Criteria: Invitae Variant Classification Sherloc (09022015). Collection method: clinical testing. Allele origin: germline.
Comment: In summary, the available evidence is currently insufficient to determine the role of this variant in disease. Therefore, it has been classified as a Variant of Uncertain Significance. Algorithms developed to predict the effect of missense changes on protein structure and function are either unavailable or do not agree on the potential impact of this missense change (SIFT: "Deleterious"; PolyPhen-2: "Not Available"; Align-GVGD: "Class C0"). This variant has not been reported in the literature in individuals affected with SRCAP-related conditions. This variant is present in population databases (rs748086743, gnomAD 0.002%). This sequence change replaces aspartic acid, which is acidic and polar, with glycine, which is neutral and non-polar, at codon 3028 of the SRCAP protein (p.Asp3028Gly).